The following is an entry in ClinVar:

NM_020708.5(SLC12A5):c.3218A>G (p.Asn1073Ser)

Gene: SLC12A5 (solute carrier family 12 member 5; plus strand). Cytogenetic location: 20q13.12.
Variant type: single nucleotide variant.
Coding change: c.3218A>G on transcript NM_020708.5 (MANE Select); coding-DNA position 3218, A replaced by G.
Protein change: p.Asn1073Ser; replaces asparagine 1073 with serine.
Molecular consequence: missense variant.
Genome position (GRCh38, 1-based): chr20:46,057,262, A>G. VCF-style: chr20-46057262-A-G. GRCh37 (hg19) VCF-style: chr20-44685901-A-G.
Other names: c.3287A>G, p.Asn1096Ser (NM_001134771.2); short protein forms N1073S, N1096S.
Identifiers: ClinVar variation 969070 (VCV000969070.10), dbSNP rs1402047500, ClinGen allele CA409209846.

ClinVar aggregate classification (germline): Uncertain significance (1 of 4 stars; one submission).

Conditions:
Developmental and epileptic encephalopathy, 34 (DEE34). Also called: Early infantile epileptic encephalopathy 34; SLC12A5-Related Epilepsy of Infancy with Migrating Focal Seizures. Identifiers: Orphanet 293181, MedGen C4225257, MONDO:0014718, OMIM 616645.

Allele frequency attached by ClinVar (database versions not stated): gnomAD exomes below 0.00001.
gnomAD v4.1: 1 of 1,614,208 alleles (0.000062%); highest among the groups gnomAD compares: Admixed American, 0.0017%; no homozygotes.

Submission:

Labcorp Genetics (formerly Invitae), Labcorp
Classification: Uncertain significance for Developmental and epileptic encephalopathy, 34. Last evaluated: 2019-10-08. Review status: criteria provided, single submitter. Criteria: Invitae Variant Classification Sherloc (09022015). Collection method: clinical testing. Allele origin: germline.
Comment: In summary, the available evidence is currently insufficient to determine the role of this variant in disease. Therefore, it has been classified as a Variant of Uncertain Significance. Algorithms developed to predict the effect of sequence changes on RNA splicing suggest that this variant may create or strengthen a splice site, but this prediction has not been confirmed by published transcriptional studies. Algorithms developed to predict the effect of missense changes on protein structure and function are either unavailable or do not agree on the potential impact of this missense change (SIFT: "Tolerated"; PolyPhen-2: "Possibly Damaging"; Align-GVGD: "Class C0"). This variant has not been reported in the literature in individuals with SLC12A5-related conditions. This variant is not present in population databases (ExAC no frequency). This sequence change replaces asparagine with serine at codon 1073 of the SLC12A5 protein (p.Asn1073Ser). The asparagine residue is highly conserved and there is a small physicochemical difference between asparagine and serine.